The following is an entry in ClinVar:

NM_000536.4(RAG2):c.1409C>G (p.Ser470Ter)

Gene: RAG2 (recombination activating 2; minus strand). Cytogenetic location: 11p12.
Variant type: single nucleotide variant.
Coding change: c.1409C>G on transcript NM_000536.4 (MANE Select); coding-DNA position 1409, C replaced by G.
Protein change: p.Ser470Ter; replaces serine 470 with a stop codon.
Molecular consequence: nonsense.
Genome position (GRCh38, 1-based): chr11:36,592,760, G>C on the plus strand (C>G on the coding strand, the complement: RAG2 is on the minus strand). VCF-style: chr11-36592760-G-C. GRCh37 (hg19) VCF-style: chr11-36614310-G-C.
Other names: c.1409C>G, p.Ser470Ter (NM_001243785.2, NM_001243786.2); short protein forms S470*.
Identifiers: ClinVar variation 3257398 (VCV003257398.17).

ClinVar aggregate classification (germline): Likely pathogenic (1 of 4 stars; one submission).

Submission:

CeGaT Center for Human Genetics Tuebingen
Classification: Likely pathogenic. Last evaluated: 2024-07-01. Review status: criteria provided, single submitter. Criteria: CeGaT Center For Human Genetics Tuebingen Variant Classification Criteria Version 2. Collection method: clinical testing. Allele origin: germline. Affected: yes. Observed: 1 variant allele.
Comment: RAG2: PVS1:Strong, PM2, PM3